The following is an entry in ClinVar:

NM_002528.7(NTHL1):c.858C>G (p.His286Gln)

Gene: NTHL1 (nth like DNA glycosylase 1; minus strand). Cytogenetic location: 16p13.3.
Variant type: single nucleotide variant.
Coding change: c.858C>G on transcript NM_002528.7 (MANE Select); coding-DNA position 858, C replaced by G.
Protein change: p.His286Gln; replaces histidine 286 with glutamine.
Molecular consequence: missense variant.
Genome position (GRCh38, 1-based): chr16:2,039,981, G>C on the plus strand (C>G on the coding strand, the complement: NTHL1 is on the minus strand). VCF-style: chr16-2039981-G-C. GRCh37 (hg19) VCF-style: chr16-2089982-G-C.
Other names: c.687C>G, p.His229Gln (NM_001318193.2); c.528C>G, p.His176Gln (NM_001318194.2); short protein forms H176Q, H286Q, H229Q.
Identifiers: ClinVar variation 2586095 (VCV002586095.2), dbSNP rs755275050, ClinGen allele CA394287196.

ClinVar aggregate classification (germline): Uncertain significance (1 of 4 stars; one submission).

Conditions:
Hereditary cancer-predisposing syndrome. Also called: Hereditary neoplastic syndrome; Tumor predisposition; Hereditary Cancer Syndrome; Neoplastic Syndromes, Hereditary. Identifiers: Orphanet 140162, MedGen C0027672, MeSH D009386, MONDO:0015356.

gnomAD v4.1: 1 of 1,609,882 alleles (0.000062%); highest among the groups gnomAD compares: South Asian, 0.0011%; no homozygotes.

Submission:

Ambry Genetics
Classification: Uncertain significance for Hereditary cancer-predisposing syndrome. Last evaluated: 2023-06-28. Review status: criteria provided, single submitter. Criteria: Ambry Variant Classification Scheme 2023. Collection method: clinical testing. Allele origin: germline.
Comment: The p.H294Q variant (also known as c.882C>G), located in coding exon 6 of the NTHL1 gene, results from a C to G substitution at nucleotide position 882. The histidine at codon 294 is replaced by glutamine, an amino acid with highly similar properties. This amino acid position is conserved. In addition, this alteration is predicted to be tolerated by in silico analysis. Since supporting evidence is limited at this time, the clinical significance of this alteration remains unclear.